The following is an entry in ClinVar:

NM_002047.4(GARS1):c.2065C>G (p.Arg689Gly)

Gene: GARS1 (glycyl-tRNA synthetase 1; plus strand). Cytogenetic location: 7p14.3.
Variant type: single nucleotide variant.
Coding change: c.2065C>G on transcript NM_002047.4 (MANE Select); coding-DNA position 2065, C replaced by G.
Protein change: p.Arg689Gly; replaces arginine 689 with glycine.
Molecular consequence: missense variant.
Genome position (GRCh38, 1-based): chr7:30,632,408, C>G. VCF-style: chr7-30632408-C-G. GRCh37 (hg19) VCF-style: chr7-30672024-C-G.
Other names: c.1903C>G, p.Arg635Gly (NM_001316772.1); short protein forms R689G, R635G.
Identifiers: ClinVar variation 847576 (VCV000847576.10), dbSNP rs376308368, ClinGen allele CA4206144.

ClinVar aggregate classification (germline): Conflicting classifications of pathogenicity. Review status: criteria provided, conflicting classifications (1 of 4 stars). 2 submissions from 2 submitters: Uncertain significance (1); Likely benign (1). Last evaluated 2024-04-16.

Conditions:
Charcot-Marie-Tooth disease type 2. Also called: Charcot-Marie-Tooth type 2. Identifiers: Orphanet 64746, MedGen C0270914, MONDO:0018993.

Allele frequency attached by ClinVar (database versions not stated): TOPMed 0.00002; gnomAD 0.00005 and 0.00006; ESP Exome Variant Server 0.00016.
gnomAD v4.1: 43 of 1,614,014 alleles (0.0027%); highest among the groups gnomAD compares: Non-Finnish European, 0.0017%; no homozygotes.

Submissions (2):

Labcorp Genetics (formerly Invitae), Labcorp
Classification: Uncertain significance for Charcot-Marie-Tooth disease type 2. Last evaluated: 2024-04-16. Review status: criteria provided, single submitter. Criteria: Invitae Variant Classification Sherloc (09022015). Collection method: clinical testing. Allele origin: germline.
Comment: This sequence change replaces arginine, which is basic and polar, with glycine, which is neutral and non-polar, at codon 689 of the GARS protein (p.Arg689Gly). This variant is present in population databases (rs376308368, gnomAD 0.04%). This variant has not been reported in the literature in individuals affected with GARS-related conditions. ClinVar contains an entry for this variant (Variation ID: 847576). Advanced modeling of protein sequence and biophysical properties (such as structural, functional, and spatial information, amino acid conservation, physicochemical variation, residue mobility, and thermodynamic stability) performed at Invitae indicates that this missense variant is expected to disrupt GARS protein function with a positive predictive value of 95%. In summary, the available evidence is currently insufficient to determine the role of this variant in disease. Therefore, it has been classified as a Variant of Uncertain Significance.

Blueprint Genetics
Classification: Likely benign. Last evaluated: 2022-10-05. Review status: criteria provided, single submitter. Criteria: ACMG Guidelines, 2015. Collection method: clinical testing. Allele origin: germline.